The following is an entry in ClinVar:

NM_000057.4(BLM):c.2559del (p.Phe853fs)

Gene: BLM (BLM RecQ like helicase; plus strand). Cytogenetic location: 15q26.1.
Variant type: Deletion.
Coding change: c.2559del on transcript NM_000057.4 (MANE Select); coding-DNA position 2559, one base deleted (T; older notation c.2559delT).
Protein change: p.Phe853fs; shifts the reading frame from phenylalanine 853.
Molecular consequence: frameshift variant.
Genome position (GRCh38, 1-based): chr15:90,782,825, T deleted; the last of 3 consecutive T bases (chr15:90,782,823-90,782,825); deleting any one gives the same sequence. VCF-style (leftmost placement, unchanged base first): chr15-90782822-GT-G. GRCh37 (hg19) VCF-style: chr15-91326052-GT-G.
Other names: c.2559del, p.Phe853fs (NM_001287246.2, NM_001287247.2); c.1434del, p.Phe478fs (NM_001287248.2); c.2559delT (NM_000057.2); short protein forms F478fs, F853fs.
Identifiers: ClinVar variation 1420498 (VCV001420498.7), dbSNP rs2151178019, ClinGen allele CA2573151399.
Genomic context (GRCh38, chr15:90,782,822, plus strand): 5'-ACAATACCTAAAGTCATATTTTCTCATAATAACTAAATTTTATGTTTGGGACTTTTTTAG[GT>G]TTAGCATGAGCTTTAACAGACATAATCTGAAATACTATGTATTACCGAAAAAGCCTAAAA-3'

ClinVar aggregate classification (germline): Pathogenic. Review status: criteria provided, multiple submitters, no conflicts (2 of 4 stars). 2 submissions from 2 submitters: Pathogenic (2). Last evaluated 2023-02-10.

Conditions:
Hereditary cancer-predisposing syndrome. Also called: Neoplastic Syndromes, Hereditary; Hereditary Cancer Syndrome; Hereditary neoplastic syndrome; Tumor predisposition. Identifiers: Orphanet 140162, MedGen C0027672, MeSH D009386, MONDO:0015356.
Bloom syndrome (BLM). Also called: Bloom-Torre-Machacek syndrome. Identifiers: Orphanet 125, MedGen C0005859, MONDO:0008876, OMIM 210900.

Submissions (2):

Ambry Genetics
Classification: Pathogenic for Hereditary cancer-predisposing syndrome. Last evaluated: 2023-02-10. Review status: criteria provided, single submitter. Criteria: Ambry Variant Classification Scheme 2023. Collection method: clinical testing. Allele origin: germline.
Comment: The c.2559delT pathogenic mutation, located in coding exon 12 of the BLM gene, results from a deletion of one nucleotide at nucleotide position 2559, causing a translational frameshift with a predicted alternate stop codon (p.F853Lfs*3). This variant is considered to be rare based on population cohorts in the Genome Aggregation Database (gnomAD). This alteration is expected to result in loss of function by premature protein truncation or nonsense-mediated mRNA decay. As such, this alteration is interpreted as a disease-causing mutation.

Labcorp Genetics (formerly Invitae), Labcorp
Classification: Pathogenic for Bloom syndrome. Last evaluated: 2022-01-28. Review status: criteria provided, single submitter. Criteria: Invitae Variant Classification Sherloc (09022015). Collection method: clinical testing. Allele origin: germline.
Comment: For these reasons, this variant has been classified as Pathogenic. This variant has not been reported in the literature in individuals affected with BLM-related conditions. This variant is not present in population databases (gnomAD no frequency). This sequence change creates a premature translational stop signal (p.Phe853Leufs*3) in the BLM gene. It is expected to result in an absent or disrupted protein product. Loss-of-function variants in BLM are known to be pathogenic (PMID: 17407155).

Literature cited by the submitters: PubMed 17407155 (cited by Labcorp Genetics (formerly Invitae), Labcorp).